The following is an entry in ClinVar:

NM_001104631.2(PDE4D):c.1038T>G (p.Ile346Met)

Gene: PDE4D (phosphodiesterase 4D; minus strand). Cytogenetic location: 5q11.2.
Variant type: single nucleotide variant.
Coding change: c.1038T>G on transcript NM_001104631.2 (MANE Select); coding-DNA position 1038, T replaced by G.
Protein change: p.Ile346Met; replaces isoleucine 346 with methionine.
Molecular consequence: missense variant.
Genome position (GRCh38, 1-based): chr5:58,991,982, A>C on the plus strand (T>G on the coding strand, the complement: PDE4D is on the minus strand). VCF-style: chr5-58991982-A-C. GRCh37 (hg19) VCF-style: chr5-58287809-A-C.
Other names: c.855T>G, p.Ile285Met (NM_001165899.2, NM_001364599.1); c.846T>G, p.Ile282Met (NM_001197218.2); c.672T>G, p.Ile224Met (NM_001197219.2); c.648T>G, p.Ile216Met (NM_001197220.2); c.132T>G, p.Ile44Met (NM_001197221.2, NM_001364603.1); c.366T>G, p.Ile122Met (NM_001197222.2); c.165T>G, p.Ile55Met (NM_001197223.2); c.825T>G, p.Ile275Met (NM_001349241.2); and 3 more; short protein forms I122M, I210M, I216M, I224M, I236M, I275M, I282M, I285M.
Identifiers: ClinVar variation 2434627 (VCV002434627.4), dbSNP rs1748018223, ClinGen allele CA359817902.

ClinVar aggregate classification (germline): Uncertain significance. Review status: criteria provided, multiple submitters, no conflicts (2 of 4 stars). 2 submissions from 2 submitters: Uncertain significance (2). Last evaluated 2023-08-08.

Conditions:
Acrodysostosis 2 with or without hormone resistance. Also called: ACRODYSOSTOSIS 2 WITH HORMONE RESISTANCE; ACRODYSOSTOSIS 2 WITHOUT HORMONE RESISTANCE. Identifiers: Orphanet 280651, MedGen C3553250, MONDO:0013822, OMIM 614613.

Allele frequency attached by ClinVar (database versions not stated): gnomAD exomes below 0.00001; TOPMed below 0.00001; gnomAD 0.00001.
gnomAD v4.1: 3 of 1,580,580 alleles (0.00019%); highest among the groups gnomAD compares: Non-Finnish European, 0.00026%; no homozygotes.

Submissions (2):

3billion
Classification: Uncertain significance for Acrodysostosis 2 with or without hormone resistance. Last evaluated: 2023-08-08. Review status: criteria provided, single submitter. Criteria: ACMG Guidelines, 2015. Collection method: clinical testing. Allele origin: germline. Affected: yes.
Comment: The variant is not observed in the gnomAD v2.1.1 dataset. Predicted Consequence/Location: Missense changes are a common disease-causing mechanism. In silico tool predictions suggest no damaging effect of the variant on gene or gene product [REVEL: 0.14 (<0.4); 3Cnet: 0.10 (<0.15, specificity 0.78 and negative predicitive value 0.92)]. Therefore, this variant is classified as VUS according to the recommendation of ACMG/AMP guideline.

Revvity Omics, Revvity
Classification: Uncertain significance for Acrodysostosis 2 with or without hormone resistance. Last evaluated: 2022-08-15. Review status: criteria provided, single submitter. Criteria: ACMG Guidelines, 2015. Collection method: clinical testing. Allele origin: germline.